The following is an entry in ClinVar:

ClinVar aggregate classification (germline): Uncertain significance. Review status: criteria provided, multiple submitters, no conflicts (2 of 4 stars). 9 submissions from 9 submitters: Uncertain significance (7). 2 of the submissions do not count toward it. Last evaluated 2026-04-17.

Conditions:
Hereditary cancer-predisposing syndrome. Also called: Hereditary Cancer Syndrome; Hereditary neoplastic syndrome; Neoplastic Syndromes, Hereditary; Tumor predisposition. Identifiers: Orphanet 140162, MedGen C0027672, MeSH D009386, MONDO:0015356.
Hereditary breast ovarian cancer syndrome. Also called: BRCA1- and BRCA2-Associated Hereditary Breast and Ovarian Cancer; Hereditary breast and ovarian cancer syndrome; Hereditary breast and ovarian cancer syndrome (HBOC); Breast and ovarian cancer; Hereditary breast and/or ovarian cancer syndrome; Hereditary breast and ovarian cancer. Identifiers: Orphanet 145, MedGen C0677776, MeSH D061325, MONDO:0003582. Disease mechanism: loss of function.
Breast-ovarian cancer, familial, susceptibility to, 1 (BROVCA1). Also called: BRCA1 Hereditary Breast and Ovarian Cancer; OVARIAN CANCER, SUSCEPTIBILITY TO. Identifiers: Orphanet 145, MedGen C2676676, MONDO:0011450, OMIM 604370. Disease mechanism: loss of function.

Allele frequency attached by ClinVar (database versions not stated): TOPMed 0.00006; gnomAD exomes 0.00002; ESP Exome Variant Server 0.00008; gnomAD 0.00001.
gnomAD v4.1: 11 of 1,613,876 alleles (0.00068%); highest among the groups gnomAD compares: South Asian, 0.0066%; no homozygotes.

Submissions (9):

Women's Health and Genetics/Laboratory Corporation of America, LabCorp
Classification: Uncertain significance. Last evaluated: 2026-04-17. Review status: criteria provided, single submitter. Criteria: LabCorp Variant Classification Summary - May 2015. Collection method: clinical testing. Allele origin: germline.
Comment: Variant summary: BRCA1 c.380G>A (p.Ser127Asn) results in a conservative amino acid change in the encoded protein sequence. The variant allele was found at a frequency of 2.4e-05 in 251430 control chromosomes. The available data on variant occurrences in the general population are insufficient to allow any conclusion about variant significance. c.380G>A has been reported in the literature in individuals affected with breast cancer (Spearman_2008, Gao_2020). These report(s) do not provide unequivocal conclusions about association of the variant with Hereditary Breast And Ovarian Cancer Syndrome. At least one publication reports experimental evidence evaluating an impact on protein function. These results showed no damaging effect of this variant on the E3 ligase activity of BRCA1 although the impact on BARD1 binding and homology directed repair (HDR) activity was not reported (Starita_2015). The following publications have been ascertained in the context of this evaluation (PMID: 18951440, 18824701, 25823446, 31825140). ClinVar contains an entry for this variant (Variation ID: 55012). Based on the evidence outlined above, the variant was classified as uncertain significance.

Labcorp Genetics (formerly Invitae), Labcorp
Classification: Uncertain significance for Hereditary breast ovarian cancer syndrome. Last evaluated: 2026-01-17. Review status: criteria provided, single submitter. Criteria: Invitae Variant Classification Sherloc (09022015). Collection method: clinical testing. Allele origin: germline.
Comment: This sequence change replaces serine, which is neutral and polar, with asparagine, which is neutral and polar, at codon 127 of the BRCA1 protein (p.Ser127Asn). This variant is present in population databases (rs80357189, gnomAD 0.01%). This missense change has been observed in individual(s) with breast cancer (PMID: 18824701). ClinVar contains an entry for this variant (Variation ID: 55012). Invitae Evidence Modeling of protein sequence and biophysical properties (such as structural, functional, and spatial information, amino acid conservation, physicochemical variation, residue mobility, and thermodynamic stability) indicates that this missense variant is expected to disrupt BRCA1 protein function with a positive predictive value of 80%. Experimental studies are conflicting or provide insufficient evidence to determine the effect of this variant on BRCA1 function (PMID: 25823446). In summary, the available evidence is currently insufficient to determine the role of this variant in disease. Therefore, it has been classified as a Variant of Uncertain Significance.

Color Diagnostics, LLC DBA Color Health
Classification: Uncertain significance for Hereditary cancer-predisposing syndrome. Last evaluated: 2025-07-21. Review status: criteria provided, single submitter. Criteria: ACMG Guidelines, 2015. Collection method: clinical testing. Allele origin: germline.
Comment: This missense variant replaces serine with asparagine at codon 127 of the BRCA1 protein. Computational prediction is inconclusive regarding the impact of this variant on protein structure and function. To our knowledge, functional studies have not been reported for this variant. This variant has been reported in two individuals affected with breast or ovarian cancer (PMID: 18824701, 31825140). This variant also has been reported in a multifactorial analysis with co-occurrence and family history likelihood ratios for pathogenicity of 1.1391 and 3.672, respectively (PMID: 31131967). This variant has been identified in 6/251430 chromosomes in the general population by the Genome Aggregation Database (gnomAD). The available evidence is insufficient to determine the role of this variant in disease conclusively. Therefore, this variant is classified as a Variant of Uncertain Significance.

Ambry Genetics
Classification: Uncertain significance for Hereditary cancer-predisposing syndrome. Last evaluated: 2025-03-07. Review status: criteria provided, single submitter. Criteria: Ambry Variant Classification Scheme 2023. Collection method: clinical testing. Allele origin: germline.
Comment: The p.S127N variant (also known as c.380G>A), located in coding exon 5 of the BRCA1 gene, results from a G to A substitution at nucleotide position 380. The serine at codon 127 is replaced by asparagine, an amino acid with highly similar properties. This alteration has been classified as a variant of uncertain significance (p=0.1645) by multifactorial analysis, which integrates the following lines of evidence to produce a quantitative likelihood of pathogenicity: in silico prediction models, segregation with disease, tumor characteristics, and mutation co-occurrence (Spearman AD et al. J. Clin. Oncol. 2008; 26:5393-400; Tavtigian SV et al. Hum. Mutat. 2008; 29:1342-54). This amino acid position is highly conserved in available vertebrate species. In addition, this alteration is predicted to be deleterious by in silico analysis. Since supporting evidence is limited at this time, the clinical significance of this alteration remains unclear.

All of Us Research Program, National Institutes of Health
Classification: Uncertain significance for Breast-ovarian cancer, familial, susceptibility to, 1. Last evaluated: 2023-05-04. Review status: criteria provided, single submitter. Criteria: ACMG Guidelines, 2015. Collection method: clinical testing. Allele origin: germline. Inheritance: Autosomal dominant inheritance. Observed: 2 variant alleles, 2 heterozygotes.
Comment: This missense variant replaces serine with asparagine at codon 127 of the BRCA1 protein. Computational prediction is inconclusive regarding the impact of this variant on protein structure and function (internally defined REVEL score threshold 0.5 < inconclusive < 0.7, PMID: 27666373). To our knowledge, functional studies have not been reported for this variant. This variant has been reported in two individuals affected with breast or ovarian cancer (PMID: 18824701, 31825140). This variant also has been reported in a multifactorial analysis with co-occurrence and family history likelihood ratios for pathogenicity of 1.1391 and 3.672, respectively (PMID: 31131967). This variant has been identified in 6/251430 chromosomes in the general population by the Genome Aggregation Database (gnomAD). The available evidence is insufficient to determine the role of this variant in disease conclusively. Therefore, this variant is classified as a Variant of Uncertain Significance.

This study involves interpretation of variants in research participants for the purpose of population health screening. Participant phenotype was not available at the time of variant classification. Additional details can be found in publication PMID: 35346344, PMCID: PMC8962531

GeneDx
Classification: Uncertain significance. Last evaluated: 2023-03-08. Review status: criteria provided, single submitter. Criteria: GeneDx Variant Classification Process June 2021. Collection method: clinical testing. Allele origin: germline. Affected: yes.
Comment: Observed in a patient with breast cancer (Spearman et al., 2008); Published functional studies demonstrate no damaging effect on E3 ubiquitin ligase activity (Starita et al., 2015); In silico analysis supports that this missense variant does not alter protein structure/function; Also known as 499G>A; This variant is associated with the following publications: (PMID: 18824701, 26956035, 15385441, 20215511, 18951440, 31131967, 18951461, 29884841, 32377563, 25823446, 31853058, 31825140)

Baylor Genetics
Classification: Uncertain significance for Breast-ovarian cancer, familial, susceptibility to, 1. Last evaluated: 2021-03-04. Review status: criteria provided, single submitter. Criteria: ACMG Guidelines, 2015. Collection method: clinical testing. Allele origin: unknown. Affected: yes. Study: CSER-TexasKidsCanSeq.
Comment: This variant was determined to be of uncertain significance according to ACMG Guidelines, 2015 [PMID:25741868].

Counsyl
Classification: Uncertain significance for Breast-ovarian cancer, familial, susceptibility to, 1. Last evaluated: 2017-11-08. Review status: no assertion criteria provided. Collection method: clinical testing. Allele origin: unknown. Not counted in ClinVar's aggregate classification.

Breast Cancer Information Core (BIC) (BRCA1)
Classification: Uncertain significance for Breast-ovarian cancer, familial 1. Last evaluated: 2004-02-20. Review status: no assertion criteria provided. Collection method: clinical testing. Allele origin: germline. Affected: yes. Observed: 2 variant alleles. Not counted in ClinVar's aggregate classification.

Literature cited by the submitters: PubMed 18951440 (cited by Women's Health and Genetics/Laboratory Corporation of America, LabCorp); PubMed 18824701 (cited by 6 submitters); PubMed 25823446 (cited by 3 submitters); PubMed 31825140 (cited by 3 submitters); PubMed 31131967 (cited by Color Diagnostics, LLC DBA Color Health and All of Us Research Program, National Institutes of Health); PubMed 18951461 (cited by Ambry Genetics).

NM_007294.4(BRCA1):c.380G>A (p.Ser127Asn)

Gene: BRCA1 (BRCA1 DNA repair associated; minus strand). Cytogenetic location: 17q21.31.
Variant type: single nucleotide variant.
Coding change: c.380G>A on transcript NM_007294.4 (MANE Select); coding-DNA position 380, G replaced by A.
Protein change: p.Ser127Asn; replaces serine 127 with asparagine.
Molecular consequence: missense variant. On other transcripts: 5 prime UTR variant (7), intron variant (2).
Genome position (GRCh38, 1-based): chr17:43,104,183, C>T on the plus strand (G>A on the coding strand, the complement: BRCA1 is on the minus strand). VCF-style: chr17-43104183-C-T. GRCh37 (hg19) VCF-style: chr17-41256200-C-T.
Other names: c.380G>A, p.Ser127Asn (NM_001407667.1, NM_001407668.1, NM_001407669.1 and 165 more transcripts); c.239G>A, p.Ser80Asn (NM_001407725.1, NM_001407726.1, NM_001407727.1 and 99 more transcripts); c.170G>A, p.Ser57Asn (NM_001407853.1, NM_001407917.1, NM_001407918.1 and 58 more transcripts); c.302G>A, p.Ser101Asn (NM_001407653.1, NM_001407654.1, NM_001407655.1 and 21 more transcripts); c.371G>A, p.Ser124Asn (NM_001407646.1, NM_001407647.1, NM_001408408.1); c.-2G>A (NM_001407959.1, NM_001407960.1, NM_001407962.1 and 4 more transcripts); c.-218-9323G>A (NM_001407967.1, NM_001407966.1); c.248G>A, p.Ser83Asn (NM_001408451.1); short protein forms S127N, S80N, S101N, S124N, S57N, S83N.
Identifiers: ClinVar variation 55012 (VCV000055012.31), dbSNP rs80357189, ClinGen allele CA002455.